The following is an entry in ClinVar:

ClinVar aggregate classification (germline): Uncertain significance (1 of 4 stars; one submission).

Conditions:
Hypercalcemia, infantile, 1 (HCINF1). Identifiers: Orphanet 300547, MedGen CN031131, MONDO:0020739, OMIM 143880.

gnomAD v4.1: 13 of 1,614,094 alleles (0.00081%); highest among the groups gnomAD compares: Middle Eastern, 0.016%; no homozygotes.

Submission:

Baylor Genetics
Classification: Uncertain significance for Hypercalcemia, infantile, 1. Last evaluated: 2020-06-03. Review status: criteria provided, single submitter. Criteria: ACMG Guidelines, 2015. Collection method: clinical testing. Allele origin: unknown. Affected: yes.
Comment: This variant was determined to be of uncertain significance according to ACMG Guidelines, 2015 [PMID:25741868].

NM_000782.5(CYP24A1):c.833T>C (p.Ile278Thr)

Gene: CYP24A1 (cytochrome P450 family 24 subfamily A member 1; minus strand). Cytogenetic location: 20q13.2.
Variant type: single nucleotide variant.
Coding change: c.833T>C on transcript NM_000782.5 (MANE Select); coding-DNA position 833, T replaced by C.
Protein change: p.Ile278Thr; replaces isoleucine 278 with threonine.
Molecular consequence: missense variant.
Genome position (GRCh38, 1-based): chr20:54,164,463, A>G on the plus strand (T>C on the coding strand, the complement: CYP24A1 is on the minus strand). VCF-style: chr20-54164463-A-G. GRCh37 (hg19) VCF-style: chr20-52781002-A-G.
Other names: c.833T>C, p.Ile278Thr (NM_001128915.2); short protein forms I278T.
Identifiers: ClinVar variation 1028372 (VCV001028372.2), dbSNP rs2092663565, ClinGen allele CA409391876.
Genomic context (GRCh38, chr20:54,164,463, plus strand): 5'-ACGGGGGTGCTGGGCTGGTTCTGGCTGGTTGTGAAGGGCGGCCCTTTACCTGATTTGAAA[A>G]TGGTGTCCCAGGCCAGAGTGTGGTCCTGCCAGACCTTGGTGTTGAGGCTCTTGTGCAGCT-3'
Protein context (NP_000773.2, residues 268-288): WQDHTLAWDT[Ile278Thr]FKSVKACIDN